The following is an entry in ClinVar:

NM_003072.5(SMARCA4):c.2542C>G (p.Leu848Val)

Gene: SMARCA4 (SWI/SNF related BAF chromatin remodeling complex subunit ATPase 4; plus strand). Cytogenetic location: 19p13.2.
Variant type: single nucleotide variant.
Coding change: c.2542C>G on transcript NM_003072.5 (MANE Select); coding-DNA position 2542, C replaced by G.
Protein change: p.Leu848Val; replaces leucine 848 with valine.
Molecular consequence: missense variant. On other transcripts: non-coding transcript variant (1).
Genome position (GRCh38, 1-based): chr19:11,019,627, C>G. VCF-style: chr19-11019627-C-G. GRCh37 (hg19) VCF-style: chr19-11130303-C-G.
Other names: c.2542C>G, p.Leu848Val (NM_001128844.3, NM_001128845.2, NM_001128846.2 and 6 more transcripts); short protein forms L848V.
Identifiers: ClinVar variation 3445989 (VCV003445989.1).

ClinVar aggregate classification (germline): Uncertain significance (1 of 4 stars; one submission).

Conditions:
Hereditary cancer-predisposing syndrome. Also called: Tumor predisposition; Neoplastic Syndromes, Hereditary; Hereditary neoplastic syndrome; Hereditary Cancer Syndrome. Identifiers: Orphanet 140162, MedGen C0027672, MeSH D009386, MONDO:0015356.

Submission:

Ambry Genetics
Classification: Uncertain significance for Hereditary cancer-predisposing syndrome. Last evaluated: 2024-08-29. Review status: criteria provided, single submitter. Criteria: Ambry Variant Classification Scheme 2023. Collection method: clinical testing. Allele origin: germline.
Comment: The p.L848V variant (also known as c.2542C>G), located in coding exon 17 of the SMARCA4 gene, results from a C to G substitution at nucleotide position 2542. The leucine at codon 848 is replaced by valine, an amino acid with highly similar properties. This amino acid position is well conserved in available vertebrate species. In addition, the in silico prediction for this alteration is inconclusive. Based on the available evidence, the clinical significance of this variant remains unclear.